The following is an entry in ClinVar:

ClinVar aggregate classification (germline): Uncertain significance (1 of 4 stars; one submission).

Conditions:
Primary ciliary dyskinesia. Also called: Ciliary dyskinesia. Identifiers: Orphanet 244, MedGen C0008780, MONDO:0016575, HP:0012265.

Submission:

Labcorp Genetics (formerly Invitae), Labcorp
Classification: Uncertain significance for Primary ciliary dyskinesia. Last evaluated: 2025-07-28. Review status: criteria provided, single submitter. Criteria: Invitae Variant Classification Sherloc (09022015). Collection method: clinical testing. Allele origin: germline.
Comment: This sequence change replaces leucine, which is neutral and non-polar, with serine, which is neutral and polar, at codon 3366 of the DNAH5 protein (p.Leu3366Ser). This variant is not present in population databases (gnomAD no frequency). This variant has not been reported in the literature in individuals affected with DNAH5-related conditions. Invitae Evidence Modeling of protein sequence and biophysical properties (such as structural, functional, and spatial information, amino acid conservation, physicochemical variation, residue mobility, and thermodynamic stability) indicates that this missense variant is expected to disrupt DNAH5 protein function with a positive predictive value of 80%. In summary, the available evidence is currently insufficient to determine the role of this variant in disease. Therefore, it has been classified as a Variant of Uncertain Significance.

NM_001369.3(DNAH5):c.10097T>C (p.Leu3366Ser)

Gene: DNAH5 (dynein axonemal heavy chain 5; minus strand). Cytogenetic location: 5p15.2.
Variant type: single nucleotide variant.
Coding change: c.10097T>C on transcript NM_001369.3 (MANE Select); coding-DNA position 10097, T replaced by C.
Protein change: p.Leu3366Ser; replaces leucine 3366 with serine.
Molecular consequence: missense variant.
Genome position (GRCh38, 1-based): chr5:13,765,980, A>G on the plus strand (T>C on the coding strand, the complement: DNAH5 is on the minus strand). VCF-style: chr5-13765980-A-G. GRCh37 (hg19) VCF-style: chr5-13766089-A-G.
Other names: short protein forms L3366S.
Identifiers: ClinVar variation 4748619 (VCV004748619.1).
Genomic context (GRCh38, chr5:13,765,980, plus strand): 5'-TCATACACCAGTGAAGAATGAGTTCCCTCTTAGCCCATCACCACTGAACTACCAACCTGT[A>G]AGTTCTGTAAAAAGTTCCCTGCAGTCATCAATTTTAAGGATTCCTGCCAGGAGGGCATGG-3'
Protein context (NP_001360.1, residues 3356-3376): LMTAGNFLQN[Leu3366Ser]QQFPKDTINE